The following is an entry in ClinVar:

NM_000350.3(ABCA4):c.5506T>C (p.Phe1836Leu)

Gene: ABCA4 (ATP binding cassette subfamily A member 4; minus strand). Cytogenetic location: 1p22.1.
Variant type: single nucleotide variant.
Coding change: c.5506T>C on transcript NM_000350.3 (MANE Select); coding-DNA position 5506, T replaced by C.
Protein change: p.Phe1836Leu; replaces phenylalanine 1836 with leucine.
Molecular consequence: missense variant.
Genome position (GRCh38, 1-based): chr1:94,011,340, A>G on the plus strand (T>C on the coding strand, the complement: ABCA4 is on the minus strand). VCF-style: chr1-94011340-A-G. GRCh37 (hg19) VCF-style: chr1-94476896-A-G.
Other names: c.5284T>C, p.Phe1762Leu (NM_001425324.1); short protein forms F1836L, F1762L.
Identifiers: ClinVar variation 1522901 (VCV001522901.6), dbSNP rs370698226, ClinGen allele CA957230.

ClinVar aggregate classification (germline): Uncertain significance (1 of 4 stars; one submission).

Allele frequency attached by ClinVar (database versions not stated): gnomAD exomes below 0.00001; TOPMed below 0.00001; ExAC 0.00001; ESP Exome Variant Server 0.00008.

Submission:

Labcorp Genetics (formerly Invitae), Labcorp
Classification: Uncertain significance. Last evaluated: 2024-09-05. Review status: criteria provided, single submitter. Criteria: Invitae Variant Classification Sherloc (09022015). Collection method: clinical testing. Allele origin: germline.
Comment: This sequence change replaces phenylalanine, which is neutral and non-polar, with leucine, which is neutral and non-polar, at codon 1836 of the ABCA4 protein (p.Phe1836Leu). This variant is present in population databases (rs370698226, gnomAD 0.007%). This variant has not been reported in the literature in individuals affected with ABCA4-related conditions. ClinVar contains an entry for this variant (Variation ID: 1522901). Invitae Evidence Modeling of protein sequence and biophysical properties (such as structural, functional, and spatial information, amino acid conservation, physicochemical variation, residue mobility, and thermodynamic stability) has been performed for this missense variant. However, the output from this modeling did not meet the statistical confidence thresholds required to predict the impact of this variant on ABCA4 protein function. In summary, the available evidence is currently insufficient to determine the role of this variant in disease. Therefore, it has been classified as a Variant of Uncertain Significance.